The following is an entry in ClinVar:

ClinVar aggregate classification (germline): Uncertain significance. Review status: criteria provided, multiple submitters, no conflicts (2 of 4 stars). 2 submissions from 2 submitters: Uncertain significance (2). Last evaluated 2023-11-09.

Conditions:
Cardiovascular phenotype. Identifiers: MedGen CN230736.

gnomAD v4.1: 26 of 1,613,886 alleles (0.0016%); highest among the groups gnomAD compares: Non-Finnish European, 0.002%; no homozygotes.

Submissions (2):

GeneDx
Classification: Uncertain significance. Last evaluated: 2023-11-09. Review status: criteria provided, single submitter. Criteria: GeneDx Variant Classification Process June 2021. Collection method: clinical testing. Allele origin: germline. Affected: yes.
Comment: Has not been previously published as pathogenic or benign to our knowledge; Not observed at significant frequency in large population cohorts (gnomAD); In silico analysis supports that this missense variant has a deleterious effect on protein structure/function

Ambry Genetics
Classification: Uncertain significance for Cardiovascular phenotype. Last evaluated: 2023-10-27. Review status: criteria provided, single submitter. Criteria: Ambry Variant Classification Scheme 2023. Collection method: clinical testing. Allele origin: germline.
Comment: The p.R877L variant (also known as c.2630G>T), located in coding exon 11 of the MYPN gene, results from a G to T substitution at nucleotide position 2630. The arginine at codon 877 is replaced by leucine, an amino acid with dissimilar properties. This amino acid position is conserved. In addition, this alteration is predicted to be tolerated by in silico analysis. Since supporting evidence is limited at this time, the clinical significance of this alteration remains unclear.

NM_032578.4(MYPN):c.2630G>T (p.Arg877Leu)

Gene: MYPN (myopalladin; plus strand). Cytogenetic location: 10q21.3.
Variant type: single nucleotide variant.
Coding change: c.2630G>T on transcript NM_032578.4 (MANE Select); coding-DNA position 2630, G replaced by T.
Protein change: p.Arg877Leu; replaces arginine 877 with leucine.
Molecular consequence: missense variant. On other transcripts: non-coding transcript variant (1).
Genome position (GRCh38, 1-based): chr10:68,175,388, G>T. VCF-style: chr10-68175388-G-T. GRCh37 (hg19) VCF-style: chr10-69935145-G-T.
Other names: c.2630G>T, p.Arg877Leu (NM_001256267.2); c.1748G>T, p.Arg583Leu (NM_001256268.2); short protein forms R583L, R877L.
Identifiers: ClinVar variation 3228162 (VCV003228162.2), dbSNP rs371221569, ClinGen allele CA5522836.